The following is an entry in ClinVar:

NM_003334.4(UBA1):c.2094G>T (p.Gln698His)

Gene: UBA1 (ubiquitin like modifier activating enzyme 1; plus strand). Cytogenetic location: Xp11.3.
Variant type: single nucleotide variant.
Coding change: c.2094G>T on transcript NM_003334.4 (MANE Select); coding-DNA position 2094, G replaced by T.
Protein change: p.Gln698His; replaces glutamine 698 with histidine.
Molecular consequence: missense variant.
Genome position (GRCh38, 1-based): chrX:47,210,018, G>T. VCF-style: chrX-47210018-G-T. GRCh37 (hg19) VCF-style: chrX-47069417-G-T.
Other names: c.2094G>T, p.Gln698His (NM_153280.3); short protein forms Q698H.
Identifiers: ClinVar variation 1505434 (VCV001505434.8), dbSNP rs1556792871, ClinGen allele CA412806807.
Genomic context (GRCh38, chrX:47,210,018, plus strand): 5'-GCTGGCAGGCACTCAGCCCTTGGAGGTGCTGGAGGCTGTGCAGCGCAGCCTGGTGCTGCA[G>T]CGACCACAGACCTGGGCTGACTGCGTGACCTGGGCCTGCCACCACTGGCACACCCAGTAC-3'
Protein context (NP_003325.2, residues 688-708): LEAVQRSLVL[Gln698His]RPQTWADCVT

ClinVar aggregate classification (germline): Uncertain significance (1 of 4 stars; one submission).

Conditions:
Infantile-onset X-linked spinal muscular atrophy. Also called: Spinal Muscular Atrophy, X-Linked Infantile; SPINAL MUSCULAR ATROPHY, X-LINKED LETHAL INFANTILE; AMC, DISTAL, X-LINKED; ARTHROGRYPOSIS, X-LINKED, TYPE I; Spinal muscular atrophy, X-linked 2. Identifiers: Orphanet 1145, MedGen C1844934, MONDO:0010532, OMIM 301830.

Submission:

Labcorp Genetics (formerly Invitae), Labcorp
Classification: Uncertain significance for Infantile-onset X-linked spinal muscular atrophy. Last evaluated: 2021-07-21. Review status: criteria provided, single submitter. Criteria: Invitae Variant Classification Sherloc (09022015). Collection method: clinical testing. Allele origin: germline.
Comment: This sequence change replaces glutamine with histidine at codon 698 of the UBA1 protein (p.Gln698His). The glutamine residue is moderately conserved and there is a small physicochemical difference between glutamine and histidine. This variant is not present in population databases (ExAC no frequency). This variant has not been reported in the literature in individuals affected with UBA1-related conditions. Algorithms developed to predict the effect of missense changes on protein structure and function (SIFT, PolyPhen-2, Align-GVGD) all suggest that this variant is likely to be tolerated. In summary, the available evidence is currently insufficient to determine the role of this variant in disease. Therefore, it has been classified as a Variant of Uncertain Significance.